The following is an entry in ClinVar:

NM_000516.7(GNAS):c.830G>A (p.Trp277Ter)

Gene: GNAS (GNAS complex locus; plus strand). Cytogenetic location: 20q13.32.
Variant type: single nucleotide variant.
Coding change: c.830G>A on transcript NM_000516.7 (MANE Select); coding-DNA position 830, G replaced by A.
Protein change: p.Trp277Ter; replaces tryptophan 277 with a stop codon.
Molecular consequence: nonsense. On other transcripts: 3 prime UTR variant (2).
Genome position (GRCh38, 1-based): chr20:58,909,795, G>A. VCF-style: chr20-58909795-G-A. GRCh37 (hg19) VCF-style: chr20-57484850-G-A.
Other names: c.833G>A, p.Trp278Ter (NM_001077488.5); c.785G>A, p.Trp262Ter (NM_001077489.4); c.*691G>A (NM_001077490.3); c.653G>A, p.Trp218Ter (NM_001309840.2, NM_001309861.2, NM_001438276.1 and 1 more transcripts); c.734G>A, p.Trp245Ter (NM_001410912.1); c.2714G>A, p.Trp905Ter (NM_001410913.1); c.608G>A, p.Trp203Ter (NM_001438273.1, NM_001438274.1, NM_001438275.1); c.*736G>A (NM_016592.5); and 2 more; short protein forms W203*, W218*, W245*, W262*, W263*, W277*, W278*, W905*.
Identifiers: ClinVar variation 4852210 (VCV004852210.1).

ClinVar aggregate classification (germline): Likely pathogenic (1 of 4 stars; one submission).

Conditions:
Pseudohypoparathyroidism type I A (PHP1A). Also called: ALBRIGHT HEREDITARY OSTEODYSTROPHY WITH MULTIPLE HORMONE RESISTANCE; PHP IA; Pseudohypoparathyroidism type 1A; Pseudohypoparathyroidism Type IA; Pseudohypoparathyroidism Ia (PHP-Ia). Identifiers: Orphanet 79443, MedGen C3494506, MONDO:0007078, OMIM 103580.

Submission:

Variantyx, Inc.
Classification: Likely pathogenic for Pseudohypoparathyroidism type I A. Last evaluated: 2025-12-11. Review status: criteria provided, single submitter. Criteria: Variantyx Assertion Criteria 2022. Collection method: clinical testing. Allele origin: germline. Inheritance: Autosomal dominant inheritance. Affected: yes.
Comment: This is a nonsense variant in the GNAS gene (OMIM: 139320). Pathogenic variants in this gene have been associated with autosomal dominant pseudohypoparathyroidism Ia. This variant introduces a premature termination codon in exon 10 out of 13 and is expected to result in loss of function, which is a known disease mechanism for GNAS in this disorder (PMID: 7853365) (PVS1). This variant is absent from control populations (PM2). Based on the current evidence, this variant is classified as likely pathogenic for autosomal dominant pseudohypoparathyroidism Ia.

Literature cited by the submitters: PubMed 7853365.